The following is an entry in ClinVar:

ClinVar aggregate classification (germline): Uncertain significance (1 of 4 stars; one submission).

Allele frequency attached by ClinVar (database versions not stated): ExAC 0.00003; gnomAD 0.00007; ESP Exome Variant Server 0.00008; TOPMed 0.00008; gnomAD exomes 0.00010.
gnomAD v4.1: 151 of 1,614,068 alleles (0.0094%); highest among the groups gnomAD compares: Non-Finnish European, 0.012%; no homozygotes.

Submission:

Labcorp Genetics (formerly Invitae), Labcorp
Classification: Uncertain significance. Last evaluated: 2024-10-26. Review status: criteria provided, single submitter. Criteria: Invitae Variant Classification Sherloc (09022015). Collection method: clinical testing. Allele origin: germline.
Comment: This sequence change replaces glycine, which is neutral and non-polar, with arginine, which is basic and polar, at codon 79 of the MPV17 protein (p.Gly79Arg). This variant is present in population databases (rs149893578, gnomAD 0.008%). This variant has not been reported in the literature in individuals affected with MPV17-related conditions. ClinVar contains an entry for this variant (Variation ID: 2428434). Invitae Evidence Modeling of protein sequence and biophysical properties (such as structural, functional, and spatial information, amino acid conservation, physicochemical variation, residue mobility, and thermodynamic stability) indicates that this missense variant is not expected to disrupt MPV17 protein function with a negative predictive value of 95%. In summary, the available evidence is currently insufficient to determine the role of this variant in disease. Therefore, it has been classified as a Variant of Uncertain Significance.

NM_002437.5(MPV17):c.235G>C (p.Gly79Arg)

Gene: MPV17 (mitochondrial inner membrane protein MPV17; minus strand). Cytogenetic location: 2p23.3.
Variant type: single nucleotide variant.
Coding change: c.235G>C on transcript NM_002437.5 (MANE Select); coding-DNA position 235, G replaced by C.
Protein change: p.Gly79Arg; replaces glycine 79 with arginine.
Molecular consequence: missense variant.
Genome position (GRCh38, 1-based): chr2:27,312,724, C>G on the plus strand (G>C on the coding strand, the complement: MPV17 is on the minus strand). VCF-style: chr2-27312724-C-G. GRCh37 (hg19) VCF-style: chr2-27535591-C-G.
Other names: short protein forms G79R.
Identifiers: ClinVar variation 2428434 (VCV002428434.4), dbSNP rs149893578, ClinGen allele CA1575622.